The following is an entry in ClinVar:

NM_001130144.3(LTBP3):c.76CTG[6] (p.Leu32_Leu35del)

Gene: LTBP3 (latent transforming growth factor beta binding protein 3; minus strand). Cytogenetic location: 11q13.1.
Variant type: Microsatellite.
Coding change: c.76CTG[6] on transcript NM_001130144.3 (MANE Select); six copies in a row of the 3-base unit CTG starting at c.76; the reference has ten copies in a row; four copies, 12 bases deleted; also written c.94_105del.
Protein change: p.Leu32_Leu35del.
Molecular consequence: inframe deletion. On other transcripts: 5 prime UTR variant (1).
Genome position (GRCh38, 1-based): chr11:65,557,855-65,557,866, CAGCAGCAGCAG deleted on the plus strand (CTGCTGCTGCTG on the coding strand, the reverse complement: LTBP3 is on the minus strand); deleting any 12 consecutive bases within chr11:65,557,855-65,557,885 gives the same sequence; the position shown is the placement nearest the transcript's 3' end. VCF-style (leftmost placement, unchanged base first): chr11-65557854-CCAGCAGCAGCAG-C. GRCh37 (hg19) VCF-style: chr11-65325325-CCAGCAGCAGCAG-C.
Other names: c.-272CTG[6] (NM_001164266.1); c.76CTG[6], p.Leu32_Leu35del (NM_021070.4); c.94_105del (NM_001130144.3).
Identifiers: ClinVar variation 1446821 (VCV001446821.9), dbSNP rs71036212, ClinGen allele CA679343504.

ClinVar aggregate classification (germline): Uncertain significance. Review status: criteria provided, multiple submitters, no conflicts (2 of 4 stars). 2 submissions from 2 submitters: Uncertain significance (2). Last evaluated 2024-11-27.

Conditions:
Brachyolmia-amelogenesis imperfecta syndrome. Also called: PLATYSPONDYLY WITH AMELOGENESIS IMPERFECTA; Tooth agenesis, selective, 6; Dental anomalies and short stature. Identifiers: Orphanet 2899, MedGen C1832594, MONDO:0011018, OMIM 601216. Disease mechanism: loss of function.
Geleophysic dysplasia 3. Identifiers: MedGen C4540511, MONDO:0054722, OMIM 617809.

Submissions (2):

Labcorp Genetics (formerly Invitae), Labcorp
Classification: Uncertain significance for Brachyolmia-amelogenesis imperfecta syndrome. Last evaluated: 2024-11-27. Review status: criteria provided, single submitter. Criteria: Invitae Variant Classification Sherloc (09022015). Collection method: clinical testing. Allele origin: germline.
Comment: This variant, c.94_105del, results in the deletion of 4 amino acid(s) of the LTBP3 protein (p.Leu32_Leu35del), but otherwise preserves the integrity of the reading frame. This variant is not present in population databases (gnomAD no frequency). This variant has not been reported in the literature in individuals affected with LTBP3-related conditions. Experimental studies and prediction algorithms are not available or were not evaluated, and the functional significance of this variant is currently unknown. In summary, the available evidence is currently insufficient to determine the role of this variant in disease. Therefore, it has been classified as a Variant of Uncertain Significance.

Fulgent Genetics
Classification: Uncertain significance for Brachyolmia-amelogenesis imperfecta syndrome; Geleophysic dysplasia 3. Last evaluated: 2021-09-28. Review status: criteria provided, single submitter. Criteria: ACMG Guidelines, 2015. Collection method: clinical testing. Allele origin: unknown.